The following is an entry in ClinVar:

NM_005219.5(DIAPH1):c.3491G>A (p.Arg1164Gln)

Gene: DIAPH1 (diaphanous related formin 1; minus strand). Cytogenetic location: 5q31.3.
Variant type: single nucleotide variant.
Coding change: c.3491G>A on transcript NM_005219.5 (MANE Select); coding-DNA position 3491, G replaced by A.
Protein change: p.Arg1164Gln; replaces arginine 1164 with glutamine.
Molecular consequence: missense variant.
Genome position (GRCh38, 1-based): chr5:141,526,121, C>T on the plus strand (G>A on the coding strand, the complement: DIAPH1 is on the minus strand). VCF-style: chr5-141526121-C-T. GRCh37 (hg19) VCF-style: chr5-140905688-C-T.
Other names: c.3491G>A (NM_005219.4); c.3464G>A, p.Arg1155Gln (NM_001079812.3); c.3491G>A, p.Arg1164Gln (NM_001314007.2); short protein forms R1164Q, R1155Q.
Identifiers: ClinVar variation 1967067 (VCV001967067.7), dbSNP rs768050138, ClinGen allele CA3478772.
Genomic context (GRCh38, chr5:141,526,121, plus strand): 5'-TCTCTCTTCTGCTGCTTCTCTAGCCGCTCCTTCTCTGCCTTCTCCTTGGCTAGTTTTGCT[C>T]GCCTCATCTTTTCTTCTGTCTCCCGCCGCTTCTGGTTCTCCTTGACTGCTTGCTGGGGCA-3'
Protein context (NP_005210.3, residues 1154-1174): KRRETEEKMR[Arg1164Gln]AKLAKEKAEK

ClinVar aggregate classification (germline): Uncertain significance. Review status: criteria provided, multiple submitters, no conflicts (2 of 4 stars). 2 submissions from 2 submitters: Uncertain significance (2). Last evaluated 2024-09-05.

Conditions:
Autosomal dominant nonsyndromic hearing loss 1. Also called: KONIGSMARK SYNDROME; DEAFNESS, AUTOSOMAL DOMINANT 1, WITH OR WITHOUT THROMBOCYTOPENIA. Identifiers: Orphanet 90635, MedGen C1852282, MONDO:0007424, OMIM 124900.
Progressive microcephaly-seizures-cortical blindness-developmental delay syndrome. Also called: Seizures, cortical blindness, and microcephaly syndrome. Identifiers: Orphanet 477814, MedGen C5567650, MONDO:0014714, OMIM 616632.

Allele frequency attached by ClinVar (database versions not stated): TOPMed 0.00001; gnomAD 0.00001; gnomAD exomes below 0.00001; ExAC 0.00001.
gnomAD v4.1: 7 of 1,613,918 alleles (0.00043%); highest among the groups gnomAD compares: East Asian, 0.0022%; no homozygotes.

Submissions (2):

GeneDx
Classification: Uncertain significance. Last evaluated: 2024-09-05. Review status: criteria provided, single submitter. Criteria: GeneDx Variant Classification Process June 2021. Collection method: clinical testing. Allele origin: germline.
Comment: Not observed at significant frequency in large population cohorts (gnomAD); In silico analysis supports that this missense variant has a deleterious effect on protein structure/function; Has not been previously published as pathogenic or benign to our knowledge

Labcorp Genetics (formerly Invitae), Labcorp
Classification: Uncertain significance for Progressive microcephaly-seizures-cortical blindness-developmental delay syndrome; Autosomal dominant nonsyndromic hearing loss 1. Last evaluated: 2023-11-21. Review status: criteria provided, single submitter. Criteria: Invitae Variant Classification Sherloc (09022015). Collection method: clinical testing. Allele origin: germline.
Comment: This sequence change replaces arginine, which is basic and polar, with glutamine, which is neutral and polar, at codon 1164 of the DIAPH1 protein (p.Arg1164Gln). This variant is not present in population databases (gnomAD no frequency). This variant has not been reported in the literature in individuals affected with DIAPH1-related conditions. ClinVar contains an entry for this variant (Variation ID: 1967067). An algorithm developed to predict the effect of missense changes on protein structure and function (PolyPhen-2) suggests that this variant is likely to be disruptive. In summary, the available evidence is currently insufficient to determine the role of this variant in disease. Therefore, it has been classified as a Variant of Uncertain Significance.